The following is an entry in ClinVar:

ClinVar aggregate classification (germline): Uncertain significance (1 of 4 stars; one submission).

Conditions:
Ataxia-telangiectasia syndrome (AT). Also called: Ataxia-telangiectasia, complementation group D; AT, COMPLEMENTATION GROUP C; ATAXIA-TELANGIECTASIA, COMPLEMENTATION GROUP A; ATAXIA-TELANGIECTASIA, FRESNO VARIANT; Ataxia-telangiectasia; Ataxia-telangiectasia, complementation group E. Identifiers: Orphanet 100, MedGen C0004135, MONDO:0008840, OMIM 208900.

Submission:

Labcorp Genetics (formerly Invitae), Labcorp
Classification: Uncertain significance for Ataxia-telangiectasia syndrome. Last evaluated: 2025-07-13. Review status: criteria provided, single submitter. Criteria: Invitae Variant Classification Sherloc (09022015). Collection method: clinical testing. Allele origin: germline.
Comment: This sequence change falls in intron 62 of the ATM gene. It does not directly change the encoded amino acid sequence of the ATM protein. This variant is not present in population databases (gnomAD no frequency). This variant has not been reported in the literature in individuals affected with ATM-related conditions. This variant is also known as p.Glu3015_Lys3016ins21. Experimental studies and prediction algorithms are not available or were not evaluated, and the effect of this variant on mRNA splicing is currently unknown. In summary, the available evidence is currently insufficient to determine the role of this variant in disease. Therefore, it has been classified as a Variant of Uncertain Significance.

NM_000051.4(ATM):c.8988-3_9047dup

Genes: ATM (ATM serine/threonine kinase; plus strand), C11orf65 (chromosome 11 open reading frame 65; minus strand). Cytogenetic location: 11q22.3.
Variant type: Duplication.
Coding change: c.8988-3_9047dup on transcript NM_000051.4 (MANE Select); 3 bases into the intron before coding-DNA position 8988 through coding-DNA position 9047, 63 bases duplicated.
Molecular consequence: splice acceptor variant. On other transcripts: intron variant (2).
Genome position (GRCh38, 1-based): chr11:108,365,322-108,365,384, 63 bases duplicated. GRCh37 (hg19): chr11:108,236,049-108,236,111.
Other names: c.8988-3_9047dup (NM_001351834.2); c.640+20536_640+20598dup (NM_001330368.2); c.694+20536_694+20598dup (NM_001351110.2).
Identifiers: ClinVar variation 4723053 (VCV004723053.1).